The following is an entry in ClinVar:

ClinVar aggregate classification (germline): Uncertain significance (0 of 4 stars; one submission).

Conditions:
SPTB-related disorder. Also called: SPTB-related condition; SPTB-Related Disorders.

gnomAD v4.1: 16 of 1,613,066 alleles (0.00099%); highest among the groups gnomAD compares: African/African-American, 0.011%; no homozygotes.

Submission:

PreventionGenetics, part of Exact Sciences
Classification: Uncertain significance for SPTB-related condition. Last evaluated: 2024-09-24. Review status: no assertion criteria provided. Collection method: clinical testing. Allele origin: germline.
Comment: The SPTB c.3104G>A variant is predicted to result in the amino acid substitution p.Arg1035Gln. To our knowledge, this variant has not been reported in the literature. This variant is reported in 0.018% of alleles in individuals of African descent in gnomAD. An alternate nucleotide change affecting the same amino acid (p.Arg1035Trp) has been reported in individuals affected with spherocytosis (Xie et al. 2021. PubMed ID: 33620149; Songdej et al. 2024. PubMed ID: 37996759). At this time, the clinical significance of this variant is uncertain due to the absence of conclusive functional and genetic evidence.

NM_001355436.2(SPTB):c.3104G>A (p.Arg1035Gln)

Gene: SPTB (spectrin beta, erythrocytic; minus strand). Cytogenetic location: 14q23.3.
Variant type: single nucleotide variant.
Coding change: c.3104G>A on transcript NM_001355436.2 (MANE Select); coding-DNA position 3104, G replaced by A.
Protein change: p.Arg1035Gln; replaces arginine 1035 with glutamine.
Molecular consequence: missense variant.
Genome position (GRCh38, 1-based): chr14:64,786,861, C>T on the plus strand (G>A on the coding strand, the complement: SPTB is on the minus strand). VCF-style: chr14-64786861-C-T. GRCh37 (hg19) VCF-style: chr14-65253579-C-T.
Other names: c.3104G>A, p.Arg1035Gln (NM_001024858.4, NM_001355437.2); short protein forms R1035Q.
Identifiers: ClinVar variation 3356610 (VCV003356610.1).